The following is an entry in ClinVar:

ClinVar aggregate classification (germline): Uncertain significance (1 of 4 stars; one submission).

Submission:

Labcorp Genetics (formerly Invitae), Labcorp
Classification: Uncertain significance. Last evaluated: 2025-01-06. Review status: criteria provided, single submitter. Criteria: Invitae Variant Classification Sherloc (09022015). Collection method: clinical testing. Allele origin: germline.
Comment: This sequence change replaces alanine, which is neutral and non-polar, with valine, which is neutral and non-polar, at codon 916 of the ABCC6 protein (p.Ala916Val). This variant is not present in population databases (gnomAD no frequency). This variant has not been reported in the literature in individuals affected with ABCC6-related conditions. ClinVar contains an entry for this variant (Variation ID: 2072232). Invitae Evidence Modeling of protein sequence and biophysical properties (such as structural, functional, and spatial information, amino acid conservation, physicochemical variation, residue mobility, and thermodynamic stability) indicates that this missense variant is not expected to disrupt ABCC6 protein function with a negative predictive value of 95%. Algorithms developed to predict the effect of sequence changes on RNA splicing suggest that this variant may disrupt the consensus splice site. In summary, the available evidence is currently insufficient to determine the role of this variant in disease. Therefore, it has been classified as a Variant of Uncertain Significance.

NM_001171.6(ABCC6):c.2747C>T (p.Ala916Val)

Gene: ABCC6 (ATP binding cassette subfamily C member 6; minus strand). Cytogenetic location: 16p13.11.
Variant type: single nucleotide variant.
Coding change: c.2747C>T on transcript NM_001171.6 (MANE Select); coding-DNA position 2747, C replaced by T.
Protein change: p.Ala916Val; replaces alanine 916 with valine.
Molecular consequence: missense variant. On other transcripts: non-coding transcript variant (1).
Genome position (GRCh38, 1-based): chr16:16,173,324, G>A on the plus strand (C>T on the coding strand, the complement: ABCC6 is on the minus strand). VCF-style: chr16-16173324-G-A. GRCh37 (hg19) VCF-style: chr16-16267181-G-A.
Other names: c.2405C>T, p.Ala802Val (NM_001351800.1); short protein forms A802V, A916V.
Identifiers: ClinVar variation 2072232 (VCV002072232.4), dbSNP rs2047172419, ClinGen allele CA394885891.